The following is an entry in ClinVar:

ClinVar aggregate classification (germline): Uncertain significance (1 of 4 stars; one submission).

Allele frequency attached by ClinVar (database versions not stated): gnomAD exomes below 0.00001; ExAC 0.00001; TOPMed 0.00002; gnomAD 0.00003; ESP Exome Variant Server 0.00008.
gnomAD v4.1: 5 of 1,604,462 alleles (0.00031%); highest among the groups gnomAD compares: African/African-American, 0.0054%; no homozygotes.

Submission:

Labcorp Genetics (formerly Invitae), Labcorp
Classification: Uncertain significance. Last evaluated: 2022-09-07. Review status: criteria provided, single submitter. Criteria: Invitae Variant Classification Sherloc (09022015). Collection method: clinical testing. Allele origin: germline.
Comment: In summary, the available evidence is currently insufficient to determine the role of this variant in disease. Therefore, it has been classified as a Variant of Uncertain Significance. Algorithms developed to predict the effect of sequence changes on RNA splicing suggest that this variant may disrupt the consensus splice site. This variant has not been reported in the literature in individuals affected with SLC13A3-related conditions. This variant is present in population databases (rs373988172, gnomAD 0.01%). This sequence change affects codon 370 of the SLC13A3 mRNA. It is a 'silent' change, meaning that it does not change the encoded amino acid sequence of the SLC13A3 protein.

NM_022829.6(SLC13A3):c.1110C>T (p.Leu370=)

Gene: SLC13A3 (solute carrier family 13 member 3; minus strand). Cytogenetic location: 20q13.12.
Variant type: single nucleotide variant.
Coding change: c.1110C>T on transcript NM_022829.6 (MANE Select); coding-DNA position 1110, C replaced by T.
Protein change: p.Leu370=; no amino-acid change (leucine 370 retained).
Molecular consequence: synonymous variant. On other transcripts: intron variant (1).
Genome position (GRCh38, 1-based): chr20:46,588,070, G>A on the plus strand (C>T on the coding strand, the complement: SLC13A3 is on the minus strand). VCF-style: chr20-46588070-G-A. GRCh37 (hg19) VCF-style: chr20-45216709-G-A.
Other names: c.969C>T, p.Leu323= (NM_001011554.3); c.960C>T, p.Leu320= (NM_001193339.2); c.816C>T, p.Leu272= (NM_001193342.2); c.875+1090C>T (NM_001193340.2).
Identifiers: ClinVar variation 1945282 (VCV001945282.5), dbSNP rs373988172, ClinGen allele CA9891414.